The following is an entry in ClinVar:

ClinVar aggregate classification (germline): Uncertain significance (1 of 4 stars; one submission).

Allele frequency attached by ClinVar (database versions not stated): gnomAD exomes below 0.00001; TOPMed 0.00002; gnomAD 0.00004.
gnomAD v4.1: 8 of 1,611,444 alleles (0.0005%); highest among the groups gnomAD compares: African/African-American, 0.0094%; no homozygotes.

Submission:

Labcorp Genetics (formerly Invitae), Labcorp
Classification: Uncertain significance. Last evaluated: 2025-01-06. Review status: criteria provided, single submitter. Criteria: Invitae Variant Classification Sherloc (09022015). Collection method: clinical testing. Allele origin: germline.
Comment: This sequence change replaces valine, which is neutral and non-polar, with isoleucine, which is neutral and non-polar, at codon 91 of the PIGP protein (p.Val91Ile). The frequency data for this variant in the population databases is considered unreliable, as metrics indicate poor data quality at this position in the gnomAD database. This variant has not been reported in the literature in individuals affected with PIGP-related conditions. ClinVar contains an entry for this variant (Variation ID: 1367211). An algorithm developed to predict the effect of missense changes on protein structure and function (PolyPhen-2) suggests that this variant is likely to be tolerated. In summary, the available evidence is currently insufficient to determine the role of this variant in disease. Therefore, it has been classified as a Variant of Uncertain Significance.

NM_153682.3(PIGP):c.199G>A (p.Val67Ile)

Gene: PIGP (phosphatidylinositol glycan anchor biosynthesis class P; minus strand). Cytogenetic location: 21q22.13.
Variant type: single nucleotide variant.
Coding change: c.199G>A on transcript NM_153682.3 (MANE Select); coding-DNA position 199, G replaced by A.
Protein change: p.Val67Ile; replaces valine 67 with isoleucine.
Molecular consequence: missense variant.
Genome position (GRCh38, 1-based): chr21:37,067,337, C>T on the plus strand (G>A on the coding strand, the complement: PIGP is on the minus strand). VCF-style: chr21-37067337-C-T. GRCh37 (hg19) VCF-style: chr21-38439637-C-T.
Other names: c.199G>A, p.Val67Ile (NM_001320480.2); c.121G>A, p.Val41Ile (NM_016430.4); c.271G>A, p.Val91Ile (NM_153681.2); short protein forms V41I, V67I, V91I.
Identifiers: ClinVar variation 1367211 (VCV001367211.5), dbSNP rs1399945493, ClinGen allele CA409919518.
Genomic context (GRCh38, chr21:37,067,337, plus strand): 5'-TGGAGTCGAGTGGAGAGGTACTCATCATGTTAATCCCAAACAAGAGCACGTAGCCAATTA[C>T]TATAGCAATAAGGAGGTAGACAGGTAATGCAACTGCCCAATATCTGCCAAAGAGAATATT-3'
Protein context (NP_710149.1, residues 57-77): ALPVYLLIAI[Val67Ile]IGYVLLFGIN